The following is an entry in ClinVar:

ClinVar aggregate classification (germline): Uncertain significance. Review status: criteria provided, multiple submitters, no conflicts (2 of 4 stars). 2 submissions from 2 submitters: Uncertain significance (2). Last evaluated 2025-04-11.

Conditions:
Inborn genetic diseases. Identifiers: MedGen C0950123, MeSH D030342.

gnomAD v4.1: 6 of 1,613,714 alleles (0.00037%); highest among the groups gnomAD compares: African/African-American, 0.004%; no homozygotes.

Submissions (2):

Ambry Genetics
Classification: Uncertain significance for Inborn genetic diseases. Last evaluated: 2025-04-11. Review status: criteria provided, single submitter. Criteria: Ambry Variant Classification Scheme 2023. Collection method: clinical testing. Allele origin: germline.

GeneDx
Classification: Uncertain significance. Last evaluated: 2023-07-12. Review status: criteria provided, single submitter. Criteria: GeneDx Variant Classification Process June 2021. Collection method: clinical testing. Allele origin: germline. Affected: yes.
Comment: Has not been previously published as pathogenic or benign to our knowledge; In silico analysis supports that this missense variant does not alter protein structure/function

NM_006346.4(PIBF1):c.92C>T (p.Thr31Met)

Gene: PIBF1 (progesterone immunomodulatory binding factor 1; plus strand). Cytogenetic location: 13q21.33.
Variant type: single nucleotide variant.
Coding change: c.92C>T on transcript NM_006346.4 (MANE Select); coding-DNA position 92, C replaced by T.
Protein change: p.Thr31Met; replaces threonine 31 with methionine.
Molecular consequence: missense variant. On other transcripts: non-coding transcript variant (2).
Genome position (GRCh38, 1-based): chr13:72,783,561, C>T. VCF-style: chr13-72783561-C-T. GRCh37 (hg19) VCF-style: chr13-73357699-C-T.
Other names: c.92C>T, p.Thr31Met (NM_001349655.2); short protein forms T31M.
Identifiers: ClinVar variation 3360730 (VCV003360730.2).